The following is an entry in ClinVar:

ClinVar aggregate classification (germline): Conflicting classifications of pathogenicity. Review status: criteria provided, conflicting classifications (1 of 4 stars). 7 submissions from 7 submitters: Uncertain significance (3); Likely benign (1). 3 of the submissions do not count toward it. Last evaluated 2025-09-08.

Conditions:
Left ventricular noncompaction 1 (LVNC1). Also called: LEFT VENTRICULAR NONCOMPACTION 1 WITH OR WITHOUT CONGENITAL HEART DEFECTS. Identifiers: Orphanet 54260, MedGen C1858725, MONDO:0011403, OMIM 604169.

Allele frequency attached by ClinVar (database versions not stated): gnomAD 0.00009 and 0.00011; gnomAD exomes 0.00009 and 0.00014; TOPMed 0.00013; ESP Exome Variant Server 0.00015; ExAC 0.00017.
gnomAD v4.1: 217 of 1,609,052 alleles (0.013%); highest among the groups gnomAD compares: Non-Finnish European, 0.017%; no homozygotes.

Submissions (7):

Labcorp Genetics (formerly Invitae), Labcorp
Classification: Uncertain significance for Left ventricular noncompaction 1. Last evaluated: 2025-09-08. Review status: criteria provided, single submitter. Criteria: Invitae Variant Classification Sherloc (09022015). Collection method: clinical testing. Allele origin: germline.
Comment: This sequence change replaces arginine, which is basic and polar, with histidine, which is basic and polar, at codon 524 of the DTNA protein (p.Arg524His). This variant is present in population databases (rs142108185, gnomAD 0.02%). This missense change has been observed in individual(s) with sudden unexplained death (PMID: 33789662). ClinVar contains an entry for this variant (Variation ID: 191652). An algorithm developed to predict the effect of missense changes on protein structure and function (PolyPhen-2) suggests that this variant is likely to be disruptive. In summary, the available evidence is currently insufficient to determine the role of this variant in disease. Therefore, it has been classified as a Variant of Uncertain Significance.

Blueprint Genetics
Classification: Likely benign. Last evaluated: 2024-11-21. Review status: criteria provided, single submitter. Criteria: ACMG Guidelines, 2015. Collection method: clinical testing. Allele origin: germline.

GeneDx
Classification: Uncertain significance. Last evaluated: 2019-03-21. Review status: criteria provided, single submitter. Criteria: GeneDx Variant Classification Process June 2021. Collection method: clinical testing. Allele origin: germline. Affected: yes.
Comment: Reported in a cohort of patients not selected for arrhythmia, cardiomyopathy, or family history of sudden cardiac death, although no clinical or segregation data were provided (Ng et al., 2013).; In silico analysis, which includes protein predictors and evolutionary conservation, supports a deleterious effect; This variant is associated with the following publications: (PMID: 23861362)

Biesecker Lab/Clinical Genomics Section, National Institutes of Health
Classification: Uncertain significance. Last evaluated: 2013-06-24. Review status: criteria provided, single submitter. Criteria: Ng et al. (Circ Cardiovasc Genet. 2013). Collection method: research. Allele origin: unknown. Observed: 1 variant allele. Study: ClinSeq.
Comment: The study set was not selected for affection status in relation to any cancer. Pathogenicity categories were based on literature curation. See Pubmed ID:23861362 for details.

Medical sequencing

Clinical Genetics DNA and cytogenetics Diagnostics Lab, Erasmus MC, Erasmus Medical Center
Classification: Uncertain significance. Review status: no assertion criteria provided. Collection method: clinical testing. Allele origin: germline. Affected: yes. Study: VKGL Data-share Consensus. Not counted in ClinVar's aggregate classification.

Diagnostic Laboratory, Department of Genetics, University Medical Center Groningen
Classification: Uncertain significance. Review status: no assertion criteria provided. Collection method: clinical testing. Allele origin: germline. Affected: yes. Study: VKGL Data-share Consensus. Not counted in ClinVar's aggregate classification.

Genome Diagnostics Laboratory, University Medical Center Utrecht
Classification: Uncertain significance. Review status: no assertion criteria provided. Collection method: clinical testing. Allele origin: germline. Affected: yes. Study: VKGL Data-share Consensus. Not counted in ClinVar's aggregate classification.

Literature cited by the submitters: PubMed 33789662 (cited by Labcorp Genetics (formerly Invitae), Labcorp).

NM_001386795.1(DTNA):c.1652G>A (p.Arg551His)

Gene: DTNA (dystrobrevin alpha; plus strand). Cytogenetic location: 18q12.1.
Variant type: single nucleotide variant.
Coding change: c.1652G>A on transcript NM_001386795.1 (MANE Select); coding-DNA position 1652, G replaced by A.
Protein change: p.Arg551His; replaces arginine 551 with histidine.
Molecular consequence: missense variant.
Genome position (GRCh38, 1-based): chr18:34,863,971, G>A. VCF-style: chr18-34863971-G-A. GRCh37 (hg19) VCF-style: chr18-32443935-G-A.
Other names: c.1391G>A, p.Arg464His (NM_001198938.2, NM_001198939.2, NM_001198940.2 and 9 more transcripts); c.698G>A, p.Arg233His (NM_001198942.1); c.641G>A, p.Arg214His (NM_001198943.1); c.527G>A, p.Arg176His (NM_001198944.1); c.821G>A, p.Arg274His (NM_001198945.2); c.1481G>A, p.Arg494His (NM_001386754.1, NM_001386755.1, NM_001386756.1 and 4 more transcripts); c.1478G>A, p.Arg493His (NM_001386760.1); c.1400G>A, p.Arg467His (NM_001386761.1, NM_032975.4, NM_032979.5); and 7 more; short protein forms R467H, R521H, R524H, R274H, R146H, R214H, R233H, R172H.
Identifiers: ClinVar variation 191652 (VCV000191652.18), dbSNP rs142108185, ClinGen allele CA237161.